The following is an entry in ClinVar:

ClinVar aggregate classification (germline): Uncertain significance. Review status: criteria provided, multiple submitters, no conflicts (2 of 4 stars). 2 submissions from 2 submitters: Uncertain significance (2). Last evaluated 2025-12-01.

gnomAD v4.1: 3 of 1,614,062 alleles (0.00019%); highest among the groups gnomAD compares: Admixed American, 0.0033%; no homozygotes.

Submissions (2):

Labcorp Genetics (formerly Invitae), Labcorp
Classification: Uncertain significance. Last evaluated: 2025-12-01. Review status: criteria provided, single submitter. Criteria: Invitae Variant Classification Sherloc (09022015). Collection method: clinical testing. Allele origin: germline.
Comment: This sequence change replaces alanine, which is neutral and non-polar, with valine, which is neutral and non-polar, at codon 703 of the KIDINS220 protein (p.Ala703Val). This variant is present in population databases (no rsID available, gnomAD 0.003%). This variant has not been reported in the literature in individuals affected with KIDINS220-related conditions. ClinVar contains an entry for this variant (Variation ID: 1943714). An algorithm developed to predict the effect of missense changes on protein structure and function (PolyPhen-2) suggests that this variant is likely to be tolerated. In summary, the available evidence is currently insufficient to determine the role of this variant in disease. Therefore, it has been classified as a Variant of Uncertain Significance.

Blueprint Genetics
Classification: Uncertain significance. Last evaluated: 2024-02-23. Review status: criteria provided, single submitter. Criteria: ACMG Guidelines, 2015. Collection method: clinical testing. Allele origin: germline.

NM_020738.4(KIDINS220):c.2108C>T (p.Ala703Val)

Gene: KIDINS220 (kinase D interacting substrate 220; minus strand). Cytogenetic location: 2p25.1.
Variant type: single nucleotide variant.
Coding change: c.2108C>T on transcript NM_020738.4 (MANE Select); coding-DNA position 2108, C replaced by T.
Protein change: p.Ala703Val; replaces alanine 703 with valine.
Molecular consequence: missense variant. On other transcripts: non-coding transcript variant (2).
Genome position (GRCh38, 1-based): chr2:8,785,862, G>A on the plus strand (C>T on the coding strand, the complement: KIDINS220 is on the minus strand). VCF-style: chr2-8785862-G-A. GRCh37 (hg19) VCF-style: chr2-8925992-G-A.
Other names: c.2111C>T, p.Ala704Val (NM_001348729.2, NM_001348731.2, NM_001348734.2 and 3 more transcripts); c.2108C>T, p.Ala703Val (NM_001348732.2, NM_001348735.2, NM_001348738.2 and 3 more transcripts); c.1982C>T, p.Ala661Val (NM_001348736.2); short protein forms A661V, A703V, A704V.
Identifiers: ClinVar variation 1943714 (VCV001943714.6), dbSNP rs1173583238, ClinGen allele CA345763612.
Genomic context (GRCh38, chr2:8,785,862, plus strand): 5'-CTTTGGGAATTCAGGAGCGAGTCCAGCACTTGCCACCATGTACGACAGTTCAACACAAAG[G>A]CCAATCCCACTACAGATGCGATTGATATGAGGACAGCATTTACAGTCAGATGCTTTGGGT-3'
Protein context (NP_065789.1, residues 693-713): LISIASVVGL[Ala703Val]FVLNCRTWWQ